The following is an entry in ClinVar:

ClinVar aggregate classification (germline): Uncertain significance (1 of 4 stars; one submission).

gnomAD v4.1: 6 of 1,613,798 alleles (0.00037%); highest among the groups gnomAD compares: Non-Finnish European, 0.00042%; no homozygotes.

Submission:

GeneDx
Classification: Uncertain significance. Last evaluated: 2019-10-21. Review status: criteria provided, single submitter. Criteria: GeneDx Variant Classification Process June 2021. Collection method: clinical testing. Allele origin: germline. Affected: yes.
Comment: Not observed in large population cohorts (Lek et al., 2016); In silico analysis, which includes protein predictors and evolutionary conservation, supports that this variant does not alter protein structure/function; Has not been previously published as pathogenic or benign to our knowledge

NM_030962.4(SBF2):c.1498C>G (p.Arg500Gly)

Gene: SBF2 (SET binding factor 2; minus strand). Cytogenetic location: 11p15.4.
Variant type: single nucleotide variant.
Coding change: c.1498C>G on transcript NM_030962.4 (MANE Select); coding-DNA position 1498, C replaced by G.
Protein change: p.Arg500Gly; replaces arginine 500 with glycine.
Molecular consequence: missense variant.
Genome position (GRCh38, 1-based): chr11:9,968,443, G>C on the plus strand (C>G on the coding strand, the complement: SBF2 is on the minus strand). VCF-style: chr11-9968443-G-C. GRCh37 (hg19) VCF-style: chr11-9989990-G-C.
Other names: c.1498C>G, p.Arg500Gly (NM_001386339.1); c.1369C>G, p.Arg457Gly (NM_001386342.1); short protein forms R457G, R500G.
Identifiers: ClinVar variation 1309441 (VCV001309441.2), dbSNP rs146366305, ClinGen allele CA379630074.